The following is an entry in ClinVar:

ClinVar aggregate classification (germline): Likely pathogenic (1 of 4 stars; one submission).

Submission:

GeneDx
Classification: Likely pathogenic. Last evaluated: 2024-05-29. Review status: criteria provided, single submitter. Criteria: GeneDx Variant Classification Process June 2021. Collection method: clinical testing. Allele origin: germline. Affected: yes.
Comment: Not observed at significant frequency in large population cohorts (gnomAD); In silico analysis supports that this missense variant has a deleterious effect on protein structure/function; Has not been previously published as pathogenic or benign to our knowledge; This variant is associated with the following publications: (PMID: 11781872, 29230096)

NM_000141.5(FGFR2):c.974A>T (p.Glu325Val)

Gene: FGFR2 (fibroblast growth factor receptor 2; minus strand). Cytogenetic location: 10q26.13.
Variant type: single nucleotide variant.
Coding change: c.974A>T on transcript NM_000141.5 (MANE Select); coding-DNA position 974, A replaced by T.
Protein change: p.Glu325Val; replaces glutamic acid 325 with valine.
Molecular consequence: missense variant. On other transcripts: non-coding transcript variant (1), intron variant (5).
Genome position (GRCh38, 1-based): chr10:121,517,429, T>A on the plus strand (A>T on the coding strand, the complement: FGFR2 is on the minus strand). VCF-style: chr10-121517429-T-A. GRCh37 (hg19) VCF-style: chr10-123276943-T-A.
Other names: c.707A>T, p.Glu236Val (NM_001144915.2, NM_023029.3); c.629A>T, p.Glu210Val (NM_001144916.2, NM_001144918.2); c.290A>T, p.Glu97Val (NM_001320654.2); c.974A>T, p.Glu325Val (NM_001320658.2); c.749-2110A>T (NM_001144914.1); c.939+2550A>T (NM_001144917.2); c.1087+1253A>T (NM_022970.4, NM_001144913.1); c.820+1253A>T (NM_001144919.2); short protein forms E210V, E236V, E325V, E97V.
Identifiers: ClinVar variation 3383781 (VCV003383781.1).